The following is an entry in ClinVar:

ClinVar aggregate classification (germline): Uncertain significance. Review status: criteria provided, single submitter (1 of 4 stars). 2 submissions from 2 submitters: Uncertain significance (1). 1 of the submissions does not count toward it. Last evaluated 2024-01-28.

Conditions:
Optic atrophy. Identifiers: MedGen C0029124, MONDO:0003608, HP:0000648.

Submissions (2):

Labcorp Genetics (formerly Invitae), Labcorp
Classification: Uncertain significance. Last evaluated: 2024-01-28. Review status: criteria provided, single submitter. Criteria: Invitae Variant Classification Sherloc (09022015). Collection method: clinical testing. Allele origin: germline.
Comment: This sequence change replaces isoleucine, which is neutral and non-polar, with valine, which is neutral and non-polar, at codon 209 of the ITM2B protein (p.Ile209Val). This variant is not present in population databases (gnomAD no frequency). This variant has not been reported in the literature in individuals affected with ITM2B-related conditions. Advanced modeling of protein sequence and biophysical properties (such as structural, functional, and spatial information, amino acid conservation, physicochemical variation, residue mobility, and thermodynamic stability) performed at Invitae indicates that this missense variant is not expected to disrupt ITM2B protein function with a negative predictive value of 80%. In summary, the available evidence is currently insufficient to determine the role of this variant in disease. Therefore, it has been classified as a Variant of Uncertain Significance.

Institute of Human Genetics, Univ. Regensburg, Univ. Regensburg
Classification: Uncertain significance for Optic atrophy. Last evaluated: 2022-01-01. Review status: no assertion criteria provided. Criteria: ACMG Guidelines, 2015. Collection method: clinical testing. Allele origin: germline. Affected: yes. Not counted in ClinVar's aggregate classification.

NM_021999.5(ITM2B):c.625A>G (p.Ile209Val)

Gene: ITM2B (integral membrane protein 2B; plus strand). Cytogenetic location: 13q14.2.
Variant type: single nucleotide variant.
Coding change: c.625A>G on transcript NM_021999.5 (MANE Select); coding-DNA position 625, A replaced by G.
Protein change: p.Ile209Val; replaces isoleucine 209 with valine.
Molecular consequence: missense variant.
Genome position (GRCh38, 1-based): chr13:48,258,857, A>G. VCF-style: chr13-48258857-A-G. GRCh37 (hg19) VCF-style: chr13-48832993-A-G.
Other names: short protein forms I209V.
Identifiers: ClinVar variation 3009730 (VCV003009730.4), dbSNP rs903269829, ClinGen allele CA249837317.
Genomic context (GRCh38, chr13:48,258,857, plus strand): 5'-GCTGGAACCTATTTGCCTCAGTCCTATCTGATTCATGAGCACATGGTTATTACTGATCGC[A>G]TTGAAAACATTGATCACCTGGGTTTCTTTATTTATCGACTGTGTCATGACAAGGAAACTT-3'
Protein context (NP_068839.1, residues 199-219): IHEHMVITDR[Ile209Val]ENIDHLGFFI